The following is an entry in ClinVar:

NM_001276270.2(MBD4):c.1645C>T (p.Gln549Ter)

Gene: MBD4 (methyl-CpG binding domain 4, DNA glycosylase; minus strand). Cytogenetic location: 3q21.3.
Variant type: single nucleotide variant.
Coding change: c.1645C>T on transcript NM_001276270.2 (MANE Select); coding-DNA position 1645, C replaced by T.
Protein change: p.Gln549Ter; replaces glutamine 549 with a stop codon.
Molecular consequence: nonsense. On other transcripts: intron variant (1).
Genome position (GRCh38, 1-based): chr3:129,432,505, G>A on the plus strand (C>T on the coding strand, the complement: MBD4 is on the minus strand). VCF-style: chr3-129432505-G-A. GRCh37 (hg19) VCF-style: chr3-129151348-G-A.
Other names: c.1663C>T, p.Gln555Ter (NM_001276271.2, NM_003925.3); c.709C>T, p.Gln237Ter (NM_001276273.2); c.1612+51C>T (NM_001276272.2); short protein forms Q549*, Q237*, Q555*.
Identifiers: ClinVar variation 4727276 (VCV004727276.1).

ClinVar aggregate classification (germline): Pathogenic (1 of 4 stars; one submission).

Submission:

Labcorp Genetics (formerly Invitae), Labcorp
Classification: Pathogenic. Last evaluated: 2025-09-16. Review status: criteria provided, single submitter. Criteria: Invitae Variant Classification Sherloc (09022015). Collection method: clinical testing. Allele origin: germline.
Comment: This sequence change creates a premature translational stop signal (p.Gln555*) in the MBD4 gene. While this is not anticipated to result in nonsense mediated decay, it is expected to disrupt the last 26 amino acid(s) of the MBD4 protein. This variant is not present in population databases (gnomAD no frequency). This variant has not been reported in the literature in individuals affected with MBD4-related conditions. Algorithms developed to predict the effect of sequence changes on RNA splicing suggest that this variant may disrupt the consensus splice site. This variant disrupts a region of the MBD4 protein in which other variant(s) (p.Leu563*) have been determined to be pathogenic (PMID: 35460607; internal data). This suggests that this is a clinically significant region of the protein, and that variants that disrupt it are likely to be disease-causing. For these reasons, this variant has been classified as Pathogenic.

Literature cited by the submitters: PubMed 35460607.